The following is an entry in ClinVar:

ClinVar aggregate classification (germline): Uncertain significance (1 of 4 stars; one submission).

Submission:

Ambry Genetics
Classification: Uncertain significance. Last evaluated: 2025-08-19. Review status: criteria provided, single submitter. Criteria: Ambry Variant Classification Scheme 2023. Collection method: clinical testing. Allele origin: germline.
Comment: The p.I1131N variant (also known as c.3392T>A), located in coding exon 13 of the CDK12 gene, results from a T to A substitution at nucleotide position 3392. The isoleucine at codon 1131 is replaced by asparagine, an amino acid with dissimilar properties. This amino acid position is conserved. In addition, this alteration is predicted to be tolerated by in silico analysis. Based on the available evidence, the clinical significance of this variant remains unclear.

NM_016507.4(CDK12):c.3392T>A (p.Ile1131Asn)

Gene: CDK12 (cyclin dependent kinase 12; plus strand). Cytogenetic location: 17q12.
Variant type: single nucleotide variant.
Coding change: c.3392T>A on transcript NM_016507.4 (MANE Select); coding-DNA position 3392, T replaced by A.
Protein change: p.Ile1131Asn; replaces isoleucine 1131 with asparagine.
Molecular consequence: missense variant.
Genome position (GRCh38, 1-based): chr17:39,525,948, T>A. VCF-style: chr17-39525948-T-A. GRCh37 (hg19) VCF-style: chr17-37682201-T-A.
Other names: c.3392T>A, p.Ile1131Asn (NM_015083.4); short protein forms I1131N.
Identifiers: ClinVar variation 4224393 (VCV004224393.1).